The following is an entry in ClinVar:

ClinVar aggregate classification (germline): Pathogenic (1 of 4 stars; one submission).

Conditions:
RASopathy. Also called: rasopathies; Noonan spectrum disorder. Identifiers: Orphanet 536391, MedGen C5555857, MONDO:0021060.

Submission:

GeneDx
Classification: Pathogenic for Rasopathy. Last evaluated: 2012-11-04. Review status: criteria provided, single submitter. Criteria: GeneDx Variant Classification (06012015). Collection method: clinical testing. Allele origin: germline. Affected: yes.
Comment: Heterozygous for the G128V mutation in the MAP2K1 gene, consistent with the diagnosis of a disorder in the Noonan syndrome spectrum. c.383_384delGCinsTT: p.Gly128Val (G128V) in exon 3 of the MAP2K1 gene (NM_002755.3) Although this exact mutation has not previously been reported to our knowledge, another nucleotide substitution (c.383 G>T) leading to the same amino acid substitution, G128V, has been published in the literature as a mutation in an individual with cardio-facio-cutaneous syndrome (Albrecht et al., 2007). The variant is found in NOONAN panel(s).

NM_002755.4(MAP2K1):c.383_384delinsTT (p.Gly128Val)

Gene: MAP2K1 (mitogen-activated protein kinase kinase 1; plus strand). Cytogenetic location: 15q22.31.
Variant type: Indel.
Coding change: c.383_384delinsTT on transcript NM_002755.4 (MANE Select); coding-DNA positions 383 to 384, GC replaced by TT.
Protein change: p.Gly128Val; replaces glycine 128 with valine.
Molecular consequence: missense variant.
Genome position (GRCh38, 1-based): chr15:66,436,837-66,436,838, GC replaced by TT. VCF-style: chr15-66436837-GC-TT. GRCh37 (hg19) VCF-style: chr15-66729175-GC-TT.
Other names: p.G128V:GGC>GTT; c.383_384delGCinsTT (NM_002755.3); short protein forms G128V.
Identifiers: ClinVar variation 40745 (VCV000040745.1), dbSNP rs730880508, ClinGen allele CA296125.